The following is an entry in ClinVar:

NM_024747.6(HPS6):c.1014C>T (p.Gly338=)

Gene: HPS6 (HPS6 biogenesis of lysosomal organelles complex 2 subunit 3; plus strand). Cytogenetic location: 10q24.32.
Variant type: single nucleotide variant.
Coding change: c.1014C>T on transcript NM_024747.6 (MANE Select); coding-DNA position 1014, C replaced by T.
Protein change: p.Gly338=; no amino-acid change (glycine 338 retained).
Molecular consequence: synonymous variant.
Genome position (GRCh38, 1-based): chr10:102,066,488, C>T. VCF-style: chr10-102066488-C-T. GRCh37 (hg19) VCF-style: chr10-103826245-C-T.
Identifiers: ClinVar variation 2004994 (VCV002004994.4), dbSNP rs2540987425, ClinGen allele CA471010517.

ClinVar aggregate classification (germline): Uncertain significance (1 of 4 stars; one submission).

Submission:

Labcorp Genetics (formerly Invitae), Labcorp
Classification: Uncertain significance. Last evaluated: 2022-06-12. Review status: criteria provided, single submitter. Criteria: Invitae Variant Classification Sherloc (09022015). Collection method: clinical testing. Allele origin: germline.
Comment: In summary, the available evidence is currently insufficient to determine the role of this variant in disease. Therefore, it has been classified as a Variant of Uncertain Significance. This variant has not been reported in the literature in individuals affected with HPS6-related conditions. This variant is not present in population databases (gnomAD no frequency). This sequence change affects codon 338 of the HPS6 mRNA. It is a 'silent' change, meaning that it does not change the encoded amino acid sequence of the HPS6 protein.